The following is an entry in ClinVar:

ClinVar aggregate classification (germline): Uncertain significance. Review status: criteria provided, single submitter (1 of 4 stars). 2 submissions from 2 submitters: Uncertain significance (1). 1 of the submissions does not count toward it. Last evaluated 2025-08-01.

Conditions:
ADCY3-related disorder. Also called: ADCY3-related condition.
Inborn genetic diseases. Identifiers: MedGen C0950123, MeSH D030342.

gnomAD v4.1: 18 of 1,613,914 alleles (0.0011%); highest among the groups gnomAD compares: African/African-American, 0.008%; no homozygotes.

Submissions (2):

Ambry Genetics
Classification: Uncertain significance for Inborn genetic diseases. Last evaluated: 2025-08-01. Review status: criteria provided, single submitter. Criteria: Ambry Variant Classification Scheme 2023. Collection method: clinical testing. Allele origin: germline.

PreventionGenetics, part of Exact Sciences
Classification: Uncertain significance for ADCY3-related condition. Last evaluated: 2024-02-06. Review status: no assertion criteria provided. Collection method: clinical testing. Allele origin: germline. Not counted in ClinVar's aggregate classification.
Comment: The ADCY3 c.2908C>T variant is predicted to result in the amino acid substitution p.Arg970Trp. To our knowledge, this variant has not been reported in the literature. This variant is reported in 0.013% of alleles in individuals of South Asian descent in gnomAD. At this time, the clinical significance of this variant is uncertain due to the absence of conclusive functional and genetic evidence.

NM_004036.5(ADCY3):c.2905C>T (p.Arg969Trp)

Gene: ADCY3 (adenylate cyclase 3; minus strand). Cytogenetic location: 2p23.3.
Variant type: single nucleotide variant.
Coding change: c.2905C>T on transcript NM_004036.5 (MANE Select); coding-DNA position 2905, C replaced by T.
Protein change: p.Arg969Trp; replaces arginine 969 with tryptophan.
Molecular consequence: missense variant.
Genome position (GRCh38, 1-based): chr2:24,822,609, G>A on the plus strand (C>T on the coding strand, the complement: ADCY3 is on the minus strand). VCF-style: chr2-24822609-G-A. GRCh37 (hg19) VCF-style: chr2-25045478-G-A.
Other names: c.2908C>T, p.Arg970Trp (NM_001320613.2); c.2971C>T, p.Arg991Trp (NM_001377128.1); c.2767C>T, p.Arg923Trp (NM_001377129.1); c.2353C>T, p.Arg785Trp (NM_001377130.1); c.2182C>T, p.Arg728Trp (NM_001377131.1); c.2905C>T, p.Arg969Trp (NM_001377132.1); c.2905C>T (NM_004036.3); short protein forms R728W, R785W, R923W, R969W, R970W, R991W.
Identifiers: ClinVar variation 3356885 (VCV003356885.2).